The following is an entry in ClinVar:

NM_032816.5(CEP89):c.1124A>T (p.Asp375Val)

Gene: CEP89 (centrosomal protein 89; minus strand). Cytogenetic location: 19q13.11.
Variant type: single nucleotide variant.
Coding change: c.1124A>T on transcript NM_032816.5 (MANE Select); coding-DNA position 1124, A replaced by T.
Protein change: p.Asp375Val; replaces aspartic acid 375 with valine.
Molecular consequence: missense variant.
Genome position (GRCh38, 1-based): chr19:32,926,230, T>A on the plus strand (A>T on the coding strand, the complement: CEP89 is on the minus strand). VCF-style: chr19-32926230-T-A. GRCh37 (hg19) VCF-style: chr19-33417136-T-A.
Other names: short protein forms D375V.
Identifiers: ClinVar variation 3719568 (VCV003719568.2).

ClinVar aggregate classification (germline): Uncertain significance (1 of 4 stars; one submission).

gnomAD v4.1: 387 of 1,613,706 alleles (0.024%); highest among the groups gnomAD compares: Non-Finnish European, 0.032%; no homozygotes.

Submission:

Labcorp Genetics (formerly Invitae), Labcorp
Classification: Uncertain significance. Last evaluated: 2024-11-22. Review status: criteria provided, single submitter. Criteria: Invitae Variant Classification Sherloc (09022015). Collection method: clinical testing. Allele origin: germline.
Comment: This sequence change replaces aspartic acid, which is acidic and polar, with valine, which is neutral and non-polar, at codon 375 of the CEP89 protein (p.Asp375Val). This variant is present in population databases (rs367640757, gnomAD 0.02%). This variant has not been reported in the literature in individuals affected with CEP89-related conditions. An algorithm developed to predict the effect of missense changes on protein structure and function (PolyPhen-2) suggests that this variant is likely to be disruptive. In summary, the available evidence is currently insufficient to determine the role of this variant in disease. Therefore, it has been classified as a Variant of Uncertain Significance.